The following is an entry in ClinVar:

NM_018344.6(SLC29A3):c.242A>G (p.Lys81Arg)

Gene: SLC29A3 (solute carrier family 29 member 3; plus strand). Cytogenetic location: 10q22.1.
Variant type: single nucleotide variant.
Coding change: c.242A>G on transcript NM_018344.6 (MANE Select); coding-DNA position 242, A replaced by G.
Protein change: p.Lys81Arg; replaces lysine 81 with arginine.
Molecular consequence: missense variant. On other transcripts: non-coding transcript variant (2).
Genome position (GRCh38, 1-based): chr10:71,322,996, A>G. VCF-style: chr10-71322996-A-G. GRCh37 (hg19) VCF-style: chr10-73082753-A-G.
Other names: c.242A>G, p.Lys81Arg (NM_001174098.2); c.8A>G, p.Lys3Arg (NM_001363518.2); short protein forms K3R, K81R.
Identifiers: ClinVar variation 845613 (VCV000845613.5), dbSNP rs1470448032, ClinGen allele CA377129385.

ClinVar aggregate classification (germline): Uncertain significance (1 of 4 stars; one submission).

Conditions:
H syndrome. Also called: HISTIOCYTOSIS AND LYMPHADENOPATHY WITH OR WITHOUT CUTANEOUS, CARDIAC, AND/OR ENDOCRINE FEATURES, JOINT CONTRACTURES, AND/OR DEAFNESS; HYPERPIGMENTATION, CUTANEOUS, WITH HYPERTRICHOSIS, HEPATOSPLENOMEGALY, HEART ANOMALIES, AND HYPOGONADISM WITH OR WITHOUT HEARING LOSS; PIGMENTED HYPERTRICHOSIS WITH INSULIN-DEPENDENT DIABETES MELLITUS; ROSAI-DORFMAN DISEASE, FAMILIAL; SINUS HISTIOCYTOSIS AND MASSIVE LYMPHADENOPATHY; Hyperpigmentation, Cutaneous, with Hypertrichosis, Hepatosplenomegaly, Heart Anomalies, Hearing Loss, and Hypogonadism. Identifiers: Orphanet 168569, MedGen C1864445, MONDO:0011273, OMIM 602782.

Allele frequency attached by ClinVar (database versions not stated): gnomAD 0.00001; TOPMed 0.00001; gnomAD exomes below 0.00001.
gnomAD v4.1: 2 of 1,613,942 alleles (0.00012%); highest among the groups gnomAD compares: Non-Finnish European, 0.00017%; no homozygotes.

Submission:

Labcorp Genetics (formerly Invitae), Labcorp
Classification: Uncertain significance for H syndrome. Last evaluated: 2022-07-19. Review status: criteria provided, single submitter. Criteria: Invitae Variant Classification Sherloc (09022015). Collection method: clinical testing. Allele origin: germline.
Comment: In summary, the available evidence is currently insufficient to determine the role of this variant in disease. Therefore, it has been classified as a Variant of Uncertain Significance. Algorithms developed to predict the effect of missense changes on protein structure and function are either unavailable or do not agree on the potential impact of this missense change (SIFT: "Tolerated"; PolyPhen-2: "Possibly Damaging"; Align-GVGD: "Class C0"). ClinVar contains an entry for this variant (Variation ID: 845613). This variant has not been reported in the literature in individuals affected with SLC29A3-related conditions. This variant is not present in population databases (gnomAD no frequency). This sequence change replaces lysine, which is basic and polar, with arginine, which is basic and polar, at codon 81 of the SLC29A3 protein (p.Lys81Arg).